The following is an entry in ClinVar:

ClinVar aggregate classification (germline): Likely benign. Review status: criteria provided, multiple submitters, no conflicts (2 of 4 stars). 3 submissions from 3 submitters: Likely benign (2). 1 of the submissions does not count toward it. Last evaluated 2025-11-11.

Conditions:
EXT2-related disorder. Also called: EXT2-related condition.
Exostoses, multiple, type 2 (EXT2). Also called: Hereditary Multiple Osteochondromatosis, Type II; EXOSTOSES, MULTIPLE, TYPE II. Identifiers: Orphanet 321, MedGen C1851413, MONDO:0007586, OMIM 133701.

Allele frequency attached by ClinVar (database versions not stated): ESP Exome Variant Server 0.00008; ExAC 0.00013; TOPMed 0.00015; gnomAD exomes 0.00017 and 0.00028; gnomAD 0.00019 and 0.00020.
gnomAD v4.1: 433 of 1,613,750 alleles (0.027%); highest among the groups gnomAD compares: Non-Finnish European, 0.033%; no homozygotes.

Submissions (3):

Labcorp Genetics (formerly Invitae), Labcorp
Classification: Likely benign for Exostoses, multiple, type 2. Last evaluated: 2025-11-11. Review status: criteria provided, single submitter. Criteria: Invitae Variant Classification Sherloc (09022015). Collection method: clinical testing. Allele origin: germline.

Blueprint Genetics
Classification: Likely benign. Last evaluated: 2024-10-16. Review status: criteria provided, single submitter. Criteria: ACMG Guidelines, 2015. Collection method: clinical testing. Allele origin: germline.

PreventionGenetics, part of Exact Sciences
Classification: Likely benign for EXT2-related condition. Last evaluated: 2022-04-29. Review status: no assertion criteria provided. Collection method: clinical testing. Allele origin: germline. Not counted in ClinVar's aggregate classification.
Comment: This variant is classified as likely benign based on ACMG/AMP sequence variant interpretation guidelines (Richards et al. 2015 PMID: 25741868, with internal and published modifications).

NM_207122.2(EXT2):c.2013G>A (p.Val671=)

Gene: EXT2 (exostosin glycosyltransferase 2; plus strand). Cytogenetic location: 11p11.2.
Variant type: single nucleotide variant.
Coding change: c.2013G>A on transcript NM_207122.2 (MANE Select); coding-DNA position 2013, G replaced by A.
Protein change: p.Val671=; no amino-acid change (valine 671 retained).
Molecular consequence: synonymous variant.
Genome position (GRCh38, 1-based): chr11:44,236,370, G>A. VCF-style: chr11-44236370-G-A. GRCh37 (hg19) VCF-style: chr11-44257920-G-A.
Other names: c.2112G>A, p.Val704= (NM_000401.3); c.2043G>A, p.Val681= (NM_001178083.3); c.2013G>A, p.Val671= (NM_001389628.1, NM_001389630.1).
Identifiers: ClinVar variation 789385 (VCV000789385.14), dbSNP rs371019537, ClinGen allele CA5955418.